The following is an entry in ClinVar:

NM_001042492.3(NF1):c.3197+2T>G

Gene: NF1 (neurofibromin 1; plus strand). Cytogenetic location: 17q11.2.
Variant type: single nucleotide variant.
Coding change: c.3197+2T>G on transcript NM_001042492.3 (MANE Select); the canonical splice donor site of the intron after coding-DNA position 3197, T replaced by G.
Molecular consequence: splice donor variant.
Genome position (GRCh38, 1-based): chr17:31,230,927, T>G. VCF-style: chr17-31230927-T-G. GRCh37 (hg19) VCF-style: chr17-29557945-T-G.
Other names: c.3197+2T>G (NM_000267.4).
Identifiers: ClinVar variation 1075712 (VCV001075712.5), dbSNP rs2151432549, ClinGen allele CA398988353.

ClinVar aggregate classification (germline): Pathogenic (1 of 4 stars; one submission).

Conditions:
Neurofibromatosis, type 1 (NF1). Also called: VON RECKLINGHAUSEN DISEASE; Peripheral type neurofibromatosis; NEUROFIBROMATOSIS, TYPE I, SOMATIC; Neurofibromatosis, type I. Identifiers: Orphanet 636, MedGen C0027831, MONDO:0018975, OMIM 162200. Disease mechanism: loss of function.

gnomAD v4.1: 2 of 1,607,512 alleles (0.00012%); highest among the groups gnomAD compares: South Asian, 0.0022%; no homozygotes.

Submission:

Labcorp Genetics (formerly Invitae), Labcorp
Classification: Pathogenic for Neurofibromatosis, type 1. Last evaluated: 2025-06-01. Review status: criteria provided, single submitter. Criteria: Invitae Variant Classification Sherloc (09022015). Collection method: clinical testing. Allele origin: germline.
Comment: This sequence change affects a donor splice site in intron 24 of the NF1 gene. It is expected to disrupt RNA splicing. Variants that disrupt the donor or acceptor splice site typically lead to a loss of protein function (PMID: 16199547), and loss-of-function variants in NF1 are known to be pathogenic (PMID: 10712197, 23913538). This variant is not present in population databases (gnomAD no frequency). Disruption of this splice site has been observed in individual(s) with neurofibromatosis type 1 (PMID: 10607834). This variant is also known as IVS19a+1G>A. ClinVar contains an entry for this variant (Variation ID: 1075712). Algorithms developed to predict the effect of sequence changes on RNA splicing suggest that this variant may disrupt the consensus splice site. For these reasons, this variant has been classified as Pathogenic.

Literature cited by the submitters: PubMed 16199547; PubMed 10712197; PubMed 23913538; PubMed 10607834.